The following is an entry in ClinVar:

ClinVar aggregate classification (germline): Likely benign (1 of 4 stars; one submission).

gnomAD v4.1: 16 of 1,211,794 alleles (0.0013%); highest among the groups gnomAD compares: South Asian, 0.014%; no homozygotes.

Submission:

CeGaT Center for Human Genetics Tuebingen
Classification: Likely benign. Last evaluated: 2026-08-01. Review status: criteria provided, single submitter. Criteria: CeGaT Center For Human Genetics Tuebingen Variant Classification Criteria Version 2. Collection method: clinical testing. Allele origin: germline. Affected: yes. Observed: 1 variant allele.
Comment: LAGE3: BP4, BS2

NM_006014.5(LAGE3):c.358G>A (p.Val120Ile)

Gene: LAGE3 (L antigen family member 3; minus strand). Cytogenetic location: Xq28.
Variant type: single nucleotide variant.
Coding change: c.358G>A on transcript NM_006014.5 (MANE Select); coding-DNA position 358, G replaced by A.
Protein change: p.Val120Ile; replaces valine 120 with isoleucine.
Molecular consequence: missense variant.
Genome position (GRCh38, 1-based): chrX:154,478,018, C>T on the plus strand (G>A on the coding strand, the complement: LAGE3 is on the minus strand). VCF-style: chrX-154478018-C-T. GRCh37 (hg19) VCF-style: chrX-153706357-C-T.
Other names: short protein forms V120I.
Identifiers: ClinVar variation 5039759 (VCV005039759.1).
Genomic context (GRCh38, chrX:154,478,018, plus strand): 5'-GGGGCCCAAAGCGCTGCATGGTCCGCACCACCAGGGAAAGCTGGTCAAGAAAGTTGATGA[C>T]GGAAATTCGGAGCAGGCGACAGTCTTCAGCTTTCCAGCGGCTAAAAGTGAGGGGAAAAGA-3'
Protein context (NP_006005.2, residues 110-130): AEDCRLLRIS[Val120Ile]INFLDQLSLV